The following is an entry in ClinVar:

NM_152564.5(VPS13B):c.8827C>T (p.Arg2943Ter)

Gene: VPS13B (vacuolar protein sorting 13 homolog B; plus strand). Cytogenetic location: 8q22.2.
Variant type: single nucleotide variant.
Coding change: c.8827C>T on transcript NM_152564.5 (MANE Select); coding-DNA position 8827, C replaced by T.
Protein change: p.Arg2943Ter; replaces arginine 2943 with a stop codon.
Molecular consequence: nonsense.
Genome position (GRCh38, 1-based): chr8:99,819,955, C>T. VCF-style: chr8-99819955-C-T. GRCh37 (hg19) VCF-style: chr8-100832183-C-T.
Other names: c.8827C>T (NM_152564.4); c.8902C>T, p.Arg2968Ter (NM_017890.5); short protein forms R2943*, R2968*.
Identifiers: ClinVar variation 663053 (VCV000663053.14), dbSNP rs755996065, ClinGen allele CA4824575.

ClinVar aggregate classification (germline): Pathogenic/Likely pathogenic. Review status: criteria provided, multiple submitters, no conflicts (2 of 4 stars). 4 submissions from 4 submitters: Pathogenic (1); Likely pathogenic (2). 1 of the submissions does not count toward it. Last evaluated 2025-07-17.

Conditions:
VPS13B-related disorder. Also called: VPS13B-related condition.
Cohen syndrome (COH1). Also called: PEPPER SYNDROME; Cutis verticis gyrata, retinitis pigmentosa, and sensorineural deafness. Identifiers: Orphanet 193, MedGen C0265223, MONDO:0008999, OMIM 216550.

Allele frequency attached by ClinVar (database versions not stated): ExAC 0.00001; gnomAD 0.00001.
gnomAD v4.1: 8 of 1,613,820 alleles (0.0005%); highest among the groups gnomAD compares: East Asian, 0.0067%; no homozygotes.

Submissions (5):

Natera, Inc.
Classification: Likely pathogenic for Cohen syndrome. Last evaluated: 2025-07-17. Review status: criteria provided, single submitter. Criteria: Natera Variant Classification Schema (03/2026). Collection method: clinical testing. Allele origin: germline.
Comment: The c.8902C>T variant in VPS13B is a nonsense variant predicted to introduce a stop codon at amino acid 2968. This variant is expected to result in nonsense mediated decay, truncation, or a dysfunctional protein product. This variant is rare in the general population with a frequency below the threshold expected for the associated phenotype(s). Given the available evidence, this variant is classified as Likely Pathogenic.

Labcorp Genetics (formerly Invitae), Labcorp
Classification: Pathogenic for Cohen syndrome. Last evaluated: 2024-03-31. Review status: criteria provided, single submitter. Criteria: Invitae Variant Classification Sherloc (09022015). Collection method: clinical testing. Allele origin: germline.
Comment: This sequence change creates a premature translational stop signal (p.Arg2968*) in the VPS13B gene. It is expected to result in an absent or disrupted protein product. Loss-of-function variants in VPS13B are known to be pathogenic (PMID: 15141358, 16648375, 20461111). This variant is present in population databases (rs755996065, gnomAD 0.01%). This variant has not been reported in the literature in individuals affected with VPS13B-related conditions. ClinVar contains an entry for this variant (Variation ID: 663053). Algorithms developed to predict the effect of sequence changes on RNA splicing suggest that this variant may disrupt the consensus splice site. For these reasons, this variant has been classified as Pathogenic.

Fulgent Genetics
Classification: Likely pathogenic for Cohen syndrome. Last evaluated: 2024-01-22. Review status: criteria provided, single submitter. Criteria: ACMG Guidelines, 2015. Collection method: clinical testing. Allele origin: germline.

PreventionGenetics, part of Exact Sciences
Classification: Likely pathogenic for VPS13B-related condition. Last evaluated: 2024-09-20. Review status: no assertion criteria provided. Collection method: clinical testing. Allele origin: germline. Not counted in ClinVar's aggregate classification.
Comment: The VPS13B c.8827C>T variant is predicted to result in premature protein termination (p.Arg2943*). To our knowledge, this variant has not been reported in the literature. This variant is reported in 0.010% of alleles in individuals of East Asian descent in gnomAD. Nonsense variants in VPS13B are expected to be pathogenic. This variant is interpreted as likely pathogenic.

Dr. Peter K. Rogan Lab, Western University
No classification provided (evidence only). Condition: Uterine corpus endometrial carcinoma. Review status: no classification provided. Collection method: in vitro. Allele origin: not applicable. Functional consequence: retained intron. Not counted in ClinVar's aggregate classification.

Literature cited by the submitters: PubMed 15141358 (cited by Labcorp Genetics (formerly Invitae), Labcorp); PubMed 16648375 (cited by Labcorp Genetics (formerly Invitae), Labcorp); PubMed 20461111 (cited by Labcorp Genetics (formerly Invitae), Labcorp).